The following is an entry in ClinVar:

ClinVar aggregate classification (germline): Pathogenic (1 of 4 stars; one submission).

Conditions:
Ehlers-Danlos syndrome due to tenascin-X deficiency (EDSCLL1). Also called: EDS DUE TO TNX DEFICIENCY; TNX DEFICIENCY; Ehlers-Danlos syndrome, classic-like, 1; EHLERS-DANLOS SYNDROME, CLASSIC-LIKE; TNXB-Related Classical-Like Ehlers-Danlos Syndrome. Identifiers: Orphanet 230839, MedGen C1848029, MONDO:0011670, OMIM 606408.

Submission:

Myriad Genetics, Inc.
Classification: Pathogenic for Ehlers-Danlos syndrome due to tenascin-X deficiency. Last evaluated: 2026-06-07. Review status: criteria provided, single submitter. Criteria: Myriad Autosomal Dominant, Autosomal Recessive and X-Linked Classification Criteria (2023). Collection method: clinical testing. Allele origin: unknown.
Comment: NM_019105.6(TNXB):c.7953_7954ins5(E2652Tfs*45) is expected to be pathogenic in the context of classical-like Ehlers-Danlos syndrome, TNXB-related. This variant is predicted to lead to an abnormal or absent protein product due to the creation of a premature termination codon in TNXB, a gene where loss-of-function variants are known to be pathogenic. Please note: this variant was assessed in the context of healthy population screening.

NM_001365276.2(TNXB):c.7953_7954insACCCT (p.Glu2652fs)

Gene: TNXB (tenascin XB; minus strand). Cytogenetic location: 6p21.33.
Variant type: Insertion.
Coding change: c.7953_7954insACCCT on transcript NM_001365276.2 (MANE Select); coding-DNA positions 7953 to 7954, ACCCT inserted.
Protein change: p.Glu2652fs; shifts the reading frame from glutamic acid 2652.
Molecular consequence: frameshift variant.
Genome position: GRCh38 VCF-style: chr6-32056775-C-CAGGGT. GRCh37 (hg19) VCF-style: chr6-32024552-C-CAGGGT.
Other names: c.8694_8695insACCCT, p.Glu2899fs (NM_001428335.1); c.7953_7954insACCCT, p.Glu2652fs (NM_019105.8); short protein forms E2652fs, E2899fs.
Identifiers: ClinVar variation 5016002 (VCV005016002.1).